The following is an entry in ClinVar:

NM_000671.4(ADH5):c.12+2T>C

Gene: ADH5 (alcohol dehydrogenase 5 (class III), chi polypeptide; minus strand). Cytogenetic location: 4q23.
Variant type: single nucleotide variant.
Coding change: c.12+2T>C on transcript NM_000671.4 (MANE Select); the canonical splice donor site of the intron after coding-DNA position 12, T replaced by C.
Molecular consequence: splice donor variant.
Genome position (GRCh38, 1-based): chr4:99,088,687, A>G on the plus strand (T>C on the coding strand, the complement: ADH5 is on the minus strand). VCF-style: chr4-99088687-A-G. GRCh37 (hg19) VCF-style: chr4-100009838-A-G.
Identifiers: ClinVar variation 5040671 (VCV005040671.1).

ClinVar aggregate classification (germline): Uncertain significance (1 of 4 stars; one submission).

Submission:

CeGaT Center for Human Genetics Tuebingen
Classification: Uncertain significance. Last evaluated: 2026-08-01. Review status: criteria provided, single submitter. Criteria: CeGaT Center For Human Genetics Tuebingen Variant Classification Criteria Version 2. Collection method: clinical testing. Allele origin: germline. Affected: yes. Observed: 1 variant allele.
Comment: ADH5: PM2